The following is an entry in ClinVar:

ClinVar aggregate classification (germline): Benign (1 of 4 stars; one submission).

Allele frequency attached by ClinVar (database versions not stated): 1000 Genomes Project 30x 0.54482; 1000 Genomes Project 0.55411; TOPMed 0.57241; gnomAD 0.59224 and 0.59917.
gnomAD v4.1: 91,104 of 151,908 alleles (60%); highest among the groups gnomAD compares: South Asian, 75%; 29,643 homozygotes.

Submission:

GeneDx
Classification: Benign. Last evaluated: 2018-06-18. Review status: criteria provided, single submitter. Criteria: GeneDx Variant Classification (06012015). Collection method: clinical testing. Allele origin: germline. Affected: yes.
Comment: This variant is considered likely benign or benign based on one or more of the following criteria: it is a conservative change, it occurs at a poorly conserved position in the protein, it is predicted to be benign by multiple in silico algorithms, and/or has population frequency not consistent with disease.

NM_000093.5(COL5A1):c.110-271C>T

Gene: COL5A1 (collagen type V alpha 1 chain; plus strand). Cytogenetic location: 9q34.3.
Variant type: single nucleotide variant.
Coding change: c.110-271C>T on transcript NM_000093.5 (MANE Select); 271 bases into the intron before coding-DNA position 110, C replaced by T.
Molecular consequence: intron variant.
Genome position (GRCh38, 1-based): chr9:134,690,641, C>T. VCF-style: chr9-134690641-C-T. GRCh37 (hg19) VCF-style: chr9-137582487-C-T.
Other names: c.110-271C>T (NM_001278074.1).
Identifiers: ClinVar variation 683369 (VCV000683369.1), dbSNP rs10858268, ClinGen allele CA13117062.